The following is an entry in ClinVar:

NM_182972.3(IRF2BP2):c.112C>T (p.Arg38Cys)

Gene: IRF2BP2 (interferon regulatory factor 2 binding protein 2; minus strand). Cytogenetic location: 1q42.3.
Variant type: single nucleotide variant.
Coding change: c.112C>T on transcript NM_182972.3 (MANE Select); coding-DNA position 112, C replaced by T.
Protein change: p.Arg38Cys; replaces arginine 38 with cysteine.
Molecular consequence: missense variant.
Genome position (GRCh38, 1-based): chr1:234,609,383, G>A on the plus strand (C>T on the coding strand, the complement: IRF2BP2 is on the minus strand). VCF-style: chr1-234609383-G-A. GRCh37 (hg19) VCF-style: chr1-234745129-G-A.
Other names: c.112C>T, p.Arg38Cys (NM_001077397.1); short protein forms R38C.
Identifiers: ClinVar variation 1994840 (VCV001994840.4), dbSNP rs1672277186, ClinGen allele CA345311970.
Genomic context (GRCh38, chr1:234,609,383, plus strand): 5'-GCCGCGCCGTCTCGATGACGAACTCGACGCGGTCGGCGCCCTCGTAGTTGACGCAGCCGC[G>A]GCAGACGGGTTCGGTGAAGTCCCAGATCATGGCCCAGGGCATGCGGGGCAGGTCACACAG-3'
Protein context (NP_892017.2, residues 28-48): MIWDFTEPVC[Arg38Cys]GCVNYEGADR

ClinVar aggregate classification (germline): Uncertain significance (1 of 4 stars; one submission).

Submission:

Labcorp Genetics (formerly Invitae), Labcorp
Classification: Uncertain significance. Last evaluated: 2022-07-01. Review status: criteria provided, single submitter. Criteria: Invitae Variant Classification Sherloc (09022015). Collection method: clinical testing. Allele origin: germline.
Comment: This sequence change replaces arginine, which is basic and polar, with cysteine, which is neutral and slightly polar, at codon 38 of the IRF2BP2 protein (p.Arg38Cys). In summary, the available evidence is currently insufficient to determine the role of this variant in disease. Therefore, it has been classified as a Variant of Uncertain Significance. Algorithms developed to predict the effect of missense changes on protein structure and function are either unavailable or do not agree on the potential impact of this missense change (SIFT: "Deleterious"; PolyPhen-2: "Probably Damaging"; Align-GVGD: "Class C0"). This variant has not been reported in the literature in individuals affected with IRF2BP2-related conditions. This variant is not present in population databases (gnomAD no frequency).